The following is an entry in ClinVar:

ClinVar aggregate classification (germline): Likely pathogenic (1 of 4 stars; one submission).

Submission:

GeneDx
Classification: Likely pathogenic. Last evaluated: 2015-09-24. Review status: criteria provided, single submitter. Criteria: GeneDx Variant Classification (06012015). Collection method: clinical testing. Allele origin: germline. Affected: yes.
Comment: The S688P variant in the GRIN1 gene has not been published as a pathogenic variant nor has it been reported as a benign polymorphism to our knowledge. The S688P variant was not observed in approximately 6,500 individuals of European and African American ancestry in the NHLBI Exome Sequencing Project, indicating it is not a common benign variant in these populations. The S688P variant is a non-conservative amino acid substitution, which is likely to impact secondary protein structure as these residues differ in polarity, charge, size and/or other properties. This substitution occurs at a position that is conserved across species. In silico analysis predicts this variant is probably damaging to the protein structure/function. The S688P variant is a strong candidate for a disease-causing variant,however, the possibility it may be a rare benign variant cannot be excluded

NM_007327.4(GRIN1):c.2062T>C (p.Ser688Pro)

Gene: GRIN1 (glutamate ionotropic receptor NMDA type subunit 1; plus strand). Cytogenetic location: 9q34.3.
Variant type: single nucleotide variant.
Coding change: c.2062T>C on transcript NM_007327.4 (MANE Select); coding-DNA position 2062, T replaced by C.
Protein change: p.Ser688Pro; replaces serine 688 with proline.
Molecular consequence: missense variant.
Genome position (GRCh38, 1-based): chr9:137,162,894, T>C. VCF-style: chr9-137162894-T-C. GRCh37 (hg19) VCF-style: chr9-140057346-T-C.
Other names: c.2062T>C, p.Ser688Pro (NM_000832.7, NM_021569.4); c.2125T>C, p.Ser709Pro (NM_001185090.2, NM_001185091.2); short protein forms S688P, S709P.
Identifiers: ClinVar variation 429761 (VCV000429761.2), dbSNP rs1131691576, ClinGen allele CA375722032.
Genomic context (GRCh38, chr9:137,162,894, plus strand): 5'-CCGACCCTGCAGCTGAGGAACCCCTCGGACAAGTTTATCTACGCCACGGTGAAGCAGAGC[T>C]CCGTGGATATCTACTTCCGGCGCCAGGTGGAGCTGAGCACCATGTACCGGCATATGGAGA-3'
Protein context (NP_015566.1, residues 678-698): KFIYATVKQS[Ser688Pro]VDIYFRRQVE